The following is an entry in ClinVar:

ClinVar aggregate classification (germline): Likely benign (1 of 4 stars; one submission).

Allele frequency attached by ClinVar (database versions not stated): gnomAD exomes below 0.00001.
gnomAD v4.1: 1 of 1,565,548 alleles (0.000064%); highest among the groups gnomAD compares: Non-Finnish European, 0.000087%; no homozygotes.

Submission:

GeneDx
Classification: Likely benign. Last evaluated: 2016-12-19. Review status: criteria provided, single submitter. Criteria: GeneDx Variant Classification (06012015). Collection method: clinical testing. Allele origin: germline. Affected: yes.
Comment: This variant is considered likely benign or benign based on one or more of the following criteria: it is a conservative change, it occurs at a poorly conserved position in the protein, it is predicted to be benign by multiple in silico algorithms, and/or has population frequency not consistent with disease.

NM_006073.4(TRDN):c.1739-6C>T

Gene: TRDN (triadin; minus strand). Cytogenetic location: 6q22.31.
Variant type: single nucleotide variant.
Coding change: c.1739-6C>T on transcript NM_006073.4 (MANE Select); 6 bases into the intron before coding-DNA position 1739, C replaced by T.
Molecular consequence: intron variant.
Genome position (GRCh38, 1-based): chr6:123,267,757, G>A on the plus strand (C>T on the coding strand, the complement: TRDN is on the minus strand). VCF-style: chr6-123267757-G-A. GRCh37 (hg19) VCF-style: chr6-123588902-G-A.
Identifiers: ClinVar variation 391908 (VCV000391908.1), dbSNP rs1057524282, ClinGen allele CA16604971.